The following is an entry in ClinVar:

NM_021830.5(TWNK):c.1433T>G (p.Phe478Cys)

Gene: TWNK (twinkle mtDNA helicase; plus strand). Cytogenetic location: 10q24.31.
Variant type: single nucleotide variant.
Coding change: c.1433T>G on transcript NM_021830.5 (MANE Select); coding-DNA position 1433, T replaced by G.
Protein change: p.Phe478Cys; replaces phenylalanine 478 with cysteine.
Molecular consequence: missense variant. On other transcripts: non-coding transcript variant (5).
Genome position (GRCh38, 1-based): chr10:100,989,833, T>G. VCF-style: chr10-100989833-T-G. GRCh37 (hg19) VCF-style: chr10-102749590-T-G.
Other names: c.1433T>G, p.Phe478Cys (NM_001163812.2); c.71T>G, p.Phe24Cys (NM_001163813.2, NM_001163814.2, NM_001368275.1); short protein forms F24C, F478C.
Identifiers: ClinVar variation 1687171 (VCV001687171.9), dbSNP rs2133939892, ClinGen allele CA378210895.

ClinVar aggregate classification (germline): Pathogenic/Likely pathogenic. Review status: criteria provided, multiple submitters, no conflicts (2 of 4 stars). 3 submissions from 3 submitters: Pathogenic (1); Likely pathogenic (2). Last evaluated 2024-01-04.

Conditions:
Progressive external ophthalmoplegia with mitochondrial DNA deletions, autosomal dominant 3. Also called: PROGRESSIVE EXTERNAL OPHTHALMOPLEGIA, AUTOSOMAL DOMINANT 3. Identifiers: MedGen C1836439, MONDO:0012241, OMIM 609286.
C10ORF2 & TWNK-related disorders.

Submissions (3):

3billion
Classification: Likely pathogenic for Progressive external ophthalmoplegia with mitochondrial DNA deletions, autosomal dominant 3. Last evaluated: 2024-01-04. Review status: criteria provided, single submitter. Criteria: ACMG Guidelines, 2015. Collection method: clinical testing. Allele origin: germline. Affected: yes.
Comment: The variant is not observed in the gnomAD v2.1.1 dataset. Predicted Consequence/Location: Missense variant In silico tool predictions suggest damaging effect of the variant on gene or gene product [REVEL: 0.86 (>=0.6, sensitivity 0.68 and specificity 0.92); 3Cnet: 1.00 (>=0.6, sensitivity 0.72 and precision 0.9)]. Same nucleotide change resulting in same amino acid change has been previously reported as pathogenic/likely pathogenic with strong evidence (ClinVar ID: VCV001687171 /PMID: 24014582 /3billion dataset). Different missense changes at the same codon (p.Phe478Ile, p.Phe478Val) have been reported to be associated with TWNK-related disorder (PMID: 18575922, 35641312). Therefore, this variant is classified as Likely pathogenic according to the recommendation of ACMG/AMP guideline.

Labcorp Genetics (formerly Invitae), Labcorp
Classification: Pathogenic. Last evaluated: 2022-08-16. Review status: criteria provided, single submitter. Criteria: Invitae Variant Classification Sherloc (09022015). Collection method: clinical testing. Allele origin: germline.
Comment: This sequence change replaces phenylalanine, which is neutral and non-polar, with cysteine, which is neutral and slightly polar, at codon 478 of the TWNK protein (p.Phe478Cys). For these reasons, this variant has been classified as Pathogenic. This variant disrupts the p.Phe478 amino acid residue in TWNK. Other variant(s) that disrupt this residue have been observed in individuals with TWNK-related conditions (PMID: 18575922), which suggests that this may be a clinically significant amino acid residue. Algorithms developed to predict the effect of sequence changes on RNA splicing suggest that this variant may create or strengthen a splice site. Advanced modeling of protein sequence and biophysical properties (such as structural, functional, and spatial information, amino acid conservation, physicochemical variation, residue mobility, and thermodynamic stability) performed at Invitae indicates that this missense variant is expected to disrupt TWNK protein function. ClinVar contains an entry for this variant (Variation ID: 1687171). This missense change has been observed in individuals with autosomal dominant progressive external ophthalmoplegia (PMID: 24014582, 25989649; Invitae; Berardo et. al. 2011. Neurología Argentina. doi:10.1016/j.neuarg.2012.01.003). This variant is not present in population databases (gnomAD no frequency).

Blueprint Genetics
Classification: Likely pathogenic for C10ORF2 & TWNK-related disorders. Last evaluated: 2021-09-30. Review status: criteria provided, single submitter. Criteria: ACMG Guidelines, 2015. Collection method: clinical testing. Allele origin: germline. Affected: yes. Observed: 5 variant alleles.

Literature cited by the submitters: PubMed 18575922 (cited by 3billion and Labcorp Genetics (formerly Invitae), Labcorp); PubMed 24014582 (cited by 3billion and Labcorp Genetics (formerly Invitae), Labcorp); PubMed 25989649 (cited by Labcorp Genetics (formerly Invitae), Labcorp); PubMed 2011 (cited by Labcorp Genetics (formerly Invitae), Labcorp); PubMed 10 (cited by Labcorp Genetics (formerly Invitae), Labcorp); PubMed 1016 (cited by Labcorp Genetics (formerly Invitae), Labcorp); PubMed 2012 (cited by Labcorp Genetics (formerly Invitae), Labcorp); PubMed 01 (cited by Labcorp Genetics (formerly Invitae), Labcorp); PubMed 003 (cited by Labcorp Genetics (formerly Invitae), Labcorp).